The following is an entry in ClinVar:

ClinVar aggregate classification (germline): Pathogenic/Likely pathogenic. Review status: criteria provided, multiple submitters, no conflicts (2 of 4 stars). 9 submissions from 8 submitters: Pathogenic (6); Likely pathogenic (2). 1 of the submissions does not count toward it. Last evaluated 2025-02-13.

Conditions:
ABCA4-related disorder. Also called: ABCA4-related condition; ABCA4-related disorders. Identifiers: MedGen CN239167.
Cone-rod dystrophy 3 (CORD3). Identifiers: Orphanet 1872, MedGen C1858806, MONDO:0011395, OMIM 604116.
Age related macular degeneration 2. Also called: MACULAR DEGENERATION, SENILE; MACULOPATHY, AGE-RELATED, 2; MACULOPATHY, AGE-RELATED. Identifiers: MedGen C3495438, MONDO:0007932, OMIM 153800.
Retinitis pigmentosa 19 (RP19). Also called: ABCA4-Related Retinitis Pigmentosa. Identifiers: Orphanet 791, MedGen C1866422, MONDO:0011137, OMIM 601718.
Severe early-childhood-onset retinal dystrophy (STGD1). Also called: MACULAR DYSTROPHY WITH FLECKS, TYPE 1; STGD; Stargardt disease 1; Stargardt macular dystrophy; Juvenile onset macular degeneration. Identifiers: Orphanet 364055, Orphanet 827, MedGen C1855465, MeSH D000080362, MONDO:0009549, OMIM 248200.
Retinal dystrophy. Also called: Inherited retinal dystrophy. Identifiers: Orphanet 71862, MedGen C0854723, MeSH D058499, MONDO:0019118, HP:0000556.
Retinal atrophy. Identifiers: MedGen C0521694, HP:0001105.
Central scotoma. Identifiers: MedGen C0152191, HP:0000603.
Visual impairment. Also called: Impaired vision; vision problems. Identifiers: MedGen C3665347, HP:0000505.
Macular degeneration. Also called: Degenerative disorder of macula. Identifiers: MedGen C0024437, MONDO:0003004, HP:0000608.

Allele frequency attached by ClinVar (database versions not stated): gnomAD exomes below 0.00001.
gnomAD v4.1: 1 of 1,613,898 alleles (0.000062%); highest among the groups gnomAD compares: Non-Finnish European, 0.000085%; no homozygotes.

Submissions (9):

Labcorp Genetics (formerly Invitae), Labcorp
Classification: Pathogenic. Last evaluated: 2025-02-13. Review status: criteria provided, single submitter. Criteria: Invitae Variant Classification Sherloc (09022015). Collection method: clinical testing. Allele origin: germline.
Comment: This sequence change affects an acceptor splice site in intron 1 of the ABCA4 gene. It is expected to disrupt RNA splicing. Variants that disrupt the donor or acceptor splice site typically lead to a loss of protein function (PMID: 16199547), and loss-of-function variants in ABCA4 are known to be pathogenic (PMID: 10958761, 24938718, 25312043, 26780318). This variant is present in population databases (rs398123339, gnomAD 0.0009%). Disruption of this splice site has been observed in individual(s) with Stargardt disease (PMID: 28559085; internal data). In at least one individual the data is consistent with being in trans (on the opposite chromosome) from a pathogenic variant. ClinVar contains an entry for this variant (Variation ID: 92871). Algorithms developed to predict the effect of sequence changes on RNA splicing suggest that this variant may disrupt the consensus splice site. For these reasons, this variant has been classified as Pathogenic.

Fulgent Genetics
Classification: Likely pathogenic for Age related macular degeneration 2; Severe early-childhood-onset retinal dystrophy; Retinitis pigmentosa 19; Cone-rod dystrophy 3. Last evaluated: 2024-05-02. Review status: criteria provided, single submitter. Criteria: ACMG Guidelines, 2015. Collection method: clinical testing. Allele origin: germline.

Institute of Human Genetics, University of Leipzig Medical Center
Classification: Pathogenic for Severe early-childhood-onset retinal dystrophy. Last evaluated: 2022-06-23. Review status: criteria provided, single submitter. Criteria: ACMG Guidelines, 2015. Collection method: clinical testing. Allele origin: unknown. Affected: yes.
Comment: This variant was identified as compound heterozygous with NM_000350.3:c.5603A>T._x000D_ Criteria applied: PVS1, PM3, PM2_SUP

Institute of Medical Genetics and Applied Genomics, University Hospital Tübingen
Classification: Likely pathogenic. Last evaluated: 2021-09-15. Review status: criteria provided, single submitter. Criteria: ACMG Guidelines, 2015. Collection method: clinical testing. Allele origin: germline. Inheritance: Autosomal recessive inheritance. Affected: yes.

Blueprint Genetics
Classification: Pathogenic for ABCA4-related disorders. Last evaluated: 2019-03-31. Review status: criteria provided, single submitter. Criteria: ACMG Guidelines, 2015. Collection method: clinical testing. Allele origin: germline. Affected: yes. Observed: 5 variant alleles.

Institute of Human Genetics, Univ. Regensburg, Univ. Regensburg
Classification: Pathogenic for Retinal dystrophy. Last evaluated: 2018-01-01. Review status: criteria provided, single submitter. Criteria: ACMG Guidelines, 2015. Collection method: clinical testing. Allele origin: germline. Affected: yes.

Institute of Human Genetics, Univ. Regensburg, Univ. Regensburg
Classification: Pathogenic for Severe early-childhood-onset retinal dystrophy. Last evaluated: 2016-01-01. Review status: criteria provided, single submitter. Criteria: Schulz et al. (Invest Ophthalmol Vis Sci. 2017). Collection method: clinical testing. Allele origin: germline. Affected: yes. Observed: 1 heterozygote.

Eurofins Ntd Llc (ga)
Classification: Pathogenic. Last evaluated: 2013-09-19. Review status: criteria provided, single submitter. Criteria: EGL Classification Definitions 2015. Collection method: clinical testing. Allele origin: germline. Observed: 1 variant allele, 1 heterozygote.

Centre for Mendelian Genomics, University Medical Centre Ljubljana
Classification: Pathogenic for Central scotoma; Macular degeneration; Retinal atrophy; Visual impairment. Last evaluated: 2016-06-12. Review status: no assertion criteria provided. Collection method: clinical testing. Allele origin: unknown. Affected: yes. Not counted in ClinVar's aggregate classification.

Literature cited by the submitters: PubMed 16199547 (cited by Labcorp Genetics (formerly Invitae), Labcorp); PubMed 10958761 (cited by Labcorp Genetics (formerly Invitae), Labcorp); PubMed 24938718 (cited by Labcorp Genetics (formerly Invitae), Labcorp); PubMed 25312043 (cited by Labcorp Genetics (formerly Invitae), Labcorp); PubMed 26780318 (cited by Labcorp Genetics (formerly Invitae), Labcorp); PubMed 28559085 (cited by Labcorp Genetics (formerly Invitae), Labcorp); PubMed 28118664 (cited by Institute of Human Genetics, Univ. Regensburg, Univ. Regensburg); PubMed 3196484 (cited by Institute of Human Genetics, Univ. Regensburg, Univ. Regensburg).

NM_000350.3(ABCA4):c.67-2A>G

Gene: ABCA4 (ATP binding cassette subfamily A member 4; minus strand). Cytogenetic location: 1p22.1.
Variant type: single nucleotide variant.
Coding change: c.67-2A>G on transcript NM_000350.3 (MANE Select); the canonical splice acceptor site of the intron before coding-DNA position 67, A replaced by G.
Molecular consequence: splice acceptor variant.
Genome position (GRCh38, 1-based): chr1:94,113,068, T>C on the plus strand (A>G on the coding strand, the complement: ABCA4 is on the minus strand). VCF-style: chr1-94113068-T-C. GRCh37 (hg19) VCF-style: chr1-94578624-T-C.
Identifiers: ClinVar variation 92871 (VCV000092871.23), dbSNP rs398123339, ClinGen allele CA345425.